The following is an entry in ClinVar:

NM_000216.4(ANOS1):c.1744A>G (p.Met582Val)

Gene: ANOS1 (anosmin 1; minus strand). Cytogenetic location: Xp22.31.
Variant type: single nucleotide variant.
Coding change: c.1744A>G on transcript NM_000216.4 (MANE Select); coding-DNA position 1744, A replaced by G.
Protein change: p.Met582Val; replaces methionine 582 with valine.
Molecular consequence: missense variant.
Genome position (GRCh38, 1-based): chrX:8,535,689, T>C on the plus strand (A>G on the coding strand, the complement: ANOS1 is on the minus strand). VCF-style: chrX-8535689-T-C. GRCh37 (hg19) VCF-style: chrX-8503730-T-C.
Other names: short protein forms M582V.
Identifiers: ClinVar variation 2509475 (VCV002509475.5), dbSNP rs369322187, ClinGen allele CA326051963.
Genomic context (GRCh38, chrX:8,535,689, plus strand): 5'-GTAGGCTGTTCTGTCTGCTTTCCGTAGTGACCTCAGCCCAAGTCACTTGAAACCCAGTCA[T>C]GGGCTGATAGAGATTGGCCTTGGCCATCTTCCAAGAAAAGTGACCGGTGATGTTCACATC-3'
Protein context (NP_000207.2, residues 572-592): KMAKANLYQP[Met582Val]TGFQVTWAEV

ClinVar aggregate classification (germline): Uncertain significance. Review status: criteria provided, multiple submitters, no conflicts (2 of 4 stars). 3 submissions from 3 submitters: Uncertain significance (3). Last evaluated 2026-07-08.

Conditions:
Inborn genetic diseases. Identifiers: MedGen C0950123, MeSH D030342.
Hypogonadotropic hypogonadism 1 with or without anosmia (HH1). Also called: Kallmann syndrome, type 1, X-linked; DYSPLASIA OLFACTOGENITALIS OF DE MORSIER; HYPOGONADOTROPIC HYPOGONADISM 1 WITH ANOSMIA; Hypogonadotropic hypogonadism 1 with or without anosmia (Kallmann syndrome 1); KAL1-Related GnRH Deficiency (Kallmann Syndrome 1; Kallmann Syndrome, X-Linked); HYPOGONADOTROPIC HYPOGONADISM AND ANOSMIA. Identifiers: Orphanet 478, MedGen C1563719, MONDO:0010635, OMIM 308700. Disease mechanism: loss of function.

Allele frequency attached by ClinVar (database versions not stated): gnomAD 0.00004; gnomAD exomes below 0.00001; TOPMed 0.00007.
gnomAD v4.1: 11 of 1,209,433 alleles (0.00091%); highest among the groups gnomAD compares: African/African-American, 0.0052%; no homozygotes.

Submissions (3):

Ambry Genetics
Classification: Uncertain significance for Inborn genetic diseases. Last evaluated: 2026-07-08. Review status: criteria provided, single submitter. Criteria: Ambry Variant Classification Scheme 2023. Collection method: clinical testing. Allele origin: germline.

Labcorp Genetics (formerly Invitae), Labcorp
Classification: Uncertain significance for Hypogonadotropic hypogonadism 1 with or without anosmia. Last evaluated: 2025-11-03. Review status: criteria provided, single submitter. Criteria: Invitae Variant Classification Sherloc (09022015). Collection method: clinical testing. Allele origin: germline.
Comment: This sequence change replaces methionine, which is neutral and non-polar, with valine, which is neutral and non-polar, at codon 582 of the ANOS1 protein (p.Met582Val). This variant is present in population databases (rs369322187, gnomAD no frequency), including at least one homozygous and/or hemizygous individual. This variant has not been reported in the literature in individuals affected with ANOS1-related conditions. ClinVar contains an entry for this variant (Variation ID: 2509475). Invitae Evidence Modeling of protein sequence and biophysical properties (such as structural, functional, and spatial information, amino acid conservation, physicochemical variation, residue mobility, and thermodynamic stability) indicates that this missense variant is not expected to disrupt ANOS1 protein function with a negative predictive value of 80%. In summary, the available evidence is currently insufficient to determine the role of this variant in disease. Therefore, it has been classified as a Variant of Uncertain Significance.

Fulgent Genetics
Classification: Uncertain significance for Hypogonadotropic hypogonadism 1 with or without anosmia. Last evaluated: 2024-06-04. Review status: criteria provided, single submitter. Criteria: ACMG Guidelines, 2015. Collection method: clinical testing. Allele origin: germline.